The following is an entry in ClinVar:

ClinVar aggregate classification (germline): Uncertain significance (1 of 4 stars; one submission).

gnomAD v4.1: 26 of 1,613,704 alleles (0.0016%); highest among the groups gnomAD compares: South Asian, 0.0066%; no homozygotes.

Submission:

Labcorp Genetics (formerly Invitae), Labcorp
Classification: Uncertain significance. Last evaluated: 2025-10-06. Review status: criteria provided, single submitter. Criteria: Invitae Variant Classification Sherloc (09022015). Collection method: clinical testing. Allele origin: germline.
Comment: This sequence change replaces threonine, which is neutral and polar, with methionine, which is neutral and non-polar, at codon 575 of the AXL protein (p.Thr575Met). This variant is present in population databases (rs555593485, gnomAD 0.02%). This variant has not been reported in the literature in individuals affected with AXL-related conditions. Invitae Evidence Modeling of protein sequence and biophysical properties (such as structural, functional, and spatial information, amino acid conservation, physicochemical variation, residue mobility, and thermodynamic stability) has been performed for this missense variant. However, the output from this modeling did not meet the statistical confidence thresholds required to predict the impact of this variant on AXL protein function. In summary, the available evidence is currently insufficient to determine the role of this variant in disease. Therefore, it has been classified as a Variant of Uncertain Significance.

NM_021913.5(AXL):c.1724C>T (p.Thr575Met)

Gene: AXL (AXL receptor tyrosine kinase; plus strand). Cytogenetic location: 19q13.2.
Variant type: single nucleotide variant.
Coding change: c.1724C>T on transcript NM_021913.5 (MANE Select); coding-DNA position 1724, C replaced by T.
Protein change: p.Thr575Met; replaces threonine 575 with methionine.
Molecular consequence: missense variant.
Genome position (GRCh38, 1-based): chr19:41,252,363, C>T. VCF-style: chr19-41252363-C-T. GRCh37 (hg19) VCF-style: chr19-41758268-C-T.
Other names: c.920C>T, p.Thr307Met (NM_001278599.2); c.1697C>T, p.Thr566Met (NM_001699.6); short protein forms T307M, T575M, T566M.
Identifiers: ClinVar variation 4692325 (VCV004692325.1).